The following is an entry in ClinVar:

NM_018706.7(DHTKD1):c.800C>A (p.Ser267Tyr)

Gene: DHTKD1 (dehydrogenase E1 and transketolase domain containing 1; plus strand). Cytogenetic location: 10p14.
Variant type: single nucleotide variant.
Coding change: c.800C>A on transcript NM_018706.7 (MANE Select); coding-DNA position 800, C replaced by A.
Protein change: p.Ser267Tyr; replaces serine 267 with tyrosine.
Molecular consequence: missense variant.
Genome position (GRCh38, 1-based): chr10:12,089,068, C>A. VCF-style: chr10-12089068-C-A. GRCh37 (hg19) VCF-style: chr10-12131067-C-A.
Other names: short protein forms S267Y.
Identifiers: ClinVar variation 1478213 (VCV001478213.6), dbSNP rs764869852, ClinGen allele CA5407652.
Genomic context (GRCh38, chr10:12,089,068, plus strand): 5'-GCTTAAGTGAATTTCCAGAGAATTTCTCAGCCACTGGAGACGTCCTGTCTCACCTGACCT[C>A]CTCTGTGGACCTGTACTTTGGGGCGCACCATCCCCTCCATGTGACAATGTTGCCCAATCC-3'
Protein context (NP_061176.4, residues 257-277): ATGDVLSHLT[Ser267Tyr]SVDLYFGAHH

ClinVar aggregate classification (germline): Uncertain significance (1 of 4 stars; one submission).

Conditions:
2-aminoadipic 2-oxoadipic aciduria (AAKAD). Also called: Aminoadipic aciduria; ALPHA-AMINOADIPIC AND ALPHA-KETOADIPIC ACIDURIA. Identifiers: Orphanet 79154, MedGen C1859817, MONDO:0008774, OMIM 204750.

Allele frequency attached by ClinVar (database versions not stated): gnomAD exomes below 0.00001 and 0.00001; ExAC 0.00001.
gnomAD v4.1: 9 of 1,614,170 alleles (0.00056%); highest among the groups gnomAD compares: Non-Finnish European, 0.00076%; no homozygotes.

Submission:

Labcorp Genetics (formerly Invitae), Labcorp
Classification: Uncertain significance for 2-aminoadipic 2-oxoadipic aciduria. Last evaluated: 2023-02-26. Review status: criteria provided, single submitter. Criteria: Invitae Variant Classification Sherloc (09022015). Collection method: clinical testing. Allele origin: germline.
Comment: This variant has not been reported in the literature in individuals affected with DHTKD1-related conditions. In summary, the available evidence is currently insufficient to determine the role of this variant in disease. Therefore, it has been classified as a Variant of Uncertain Significance. An algorithm developed to predict the effect of missense changes on protein structure and function (PolyPhen-2) suggests that this variant is likely to be disruptive. ClinVar contains an entry for this variant (Variation ID: 1478213). This variant is present in population databases (rs764869852, gnomAD 0.0009%). This sequence change replaces serine, which is neutral and polar, with tyrosine, which is neutral and polar, at codon 267 of the DHTKD1 protein (p.Ser267Tyr).